The following is an entry in ClinVar:

ClinVar aggregate classification (germline): Uncertain significance (1 of 4 stars; one submission).

Allele frequency attached by ClinVar (database versions not stated): gnomAD exomes below 0.00001.
gnomAD v4.1: 4 of 1,573,572 alleles (0.00025%); highest among the groups gnomAD compares: East Asian, 0.0023%; no homozygotes.

Submission:

Labcorp Genetics (formerly Invitae), Labcorp
Classification: Uncertain significance. Last evaluated: 2021-10-22. Review status: criteria provided, single submitter. Criteria: Invitae Variant Classification Sherloc (09022015). Collection method: clinical testing. Allele origin: germline.
Comment: This sequence change replaces glycine with tryptophan at codon 167 of the COMP protein (p.Gly167Trp). The glycine residue is highly conserved and there is a large physicochemical difference between glycine and tryptophan. This variant is not present in population databases (ExAC no frequency). This variant has not been reported in the literature in individuals affected with COMP-related conditions. Advanced modeling of protein sequence and biophysical properties (such as structural, functional, and spatial information, amino acid conservation, physicochemical variation, residue mobility, and thermodynamic stability) performed at Invitae indicates that this missense variant is expected to disrupt COMP protein function. In summary, the available evidence is currently insufficient to determine the role of this variant in disease. Therefore, it has been classified as a Variant of Uncertain Significance.

NM_000095.3(COMP):c.499G>T (p.Gly167Trp)

Gene: COMP (cartilage oligomeric matrix protein; minus strand). Cytogenetic location: 19p13.11.
Variant type: single nucleotide variant.
Coding change: c.499G>T on transcript NM_000095.3 (MANE Select); coding-DNA position 499, G replaced by T.
Protein change: p.Gly167Trp; replaces glycine 167 with tryptophan.
Molecular consequence: missense variant.
Genome position (GRCh38, 1-based): chr19:18,789,189, C>A on the plus strand (G>T on the coding strand, the complement: COMP is on the minus strand). VCF-style: chr19-18789189-C-A. GRCh37 (hg19) VCF-style: chr19-18899998-C-A.
Other names: short protein forms G167W.
Identifiers: ClinVar variation 1350661 (VCV001350661.6), dbSNP rs2145904059, ClinGen allele CA404896087.
Genomic context (GRCh38, chr19:18,789,189, plus strand): 5'-GCTCCAAAAATGGGGCCCCCACACCTCTCACCTGCTTGTTGGCCTTGGCGAAAGCCAGCC[C>A]CACGCCCTGGTGGGTGGGGCCGCTGTACCCCGGCGGGCAAGCCTCGCAGCGGAACCCCGG-3'
Protein context (NP_000086.2, residues 157-177): GYSGPTHQGV[Gly167Trp]LAFAKANKQV